The following is an entry in ClinVar:

ClinVar aggregate classification (germline): Likely benign (0 of 4 stars; one submission).

Conditions:
ICAM1-related disorder. Also called: ICAM1-related condition.

Allele frequency attached by ClinVar (database versions not stated): ExAC 0.00023; ESP Exome Variant Server 0.00046; 1000 Genomes Project 0.00060; 1000 Genomes Project 30x 0.00062; gnomAD 0.00082; TOPMed 0.00089.

Submission:

PreventionGenetics, part of Exact Sciences
Classification: Likely benign for ICAM1-related condition. Last evaluated: 2019-03-04. Review status: no assertion criteria provided. Collection method: clinical testing. Allele origin: germline.
Comment: This variant is classified as likely benign based on ACMG/AMP sequence variant interpretation guidelines (Richards et al. 2015 PMID: 25741868, with internal and published modifications).

NM_000201.3(ICAM1):c.693G>A (p.Thr231=)

Gene: ICAM1 (intercellular adhesion molecule 1; plus strand). Cytogenetic location: 19p13.2.
Variant type: single nucleotide variant.
Coding change: c.693G>A on transcript NM_000201.3 (MANE Select); coding-DNA position 693, G replaced by A.
Protein change: p.Thr231=; no amino-acid change (threonine 231 retained).
Molecular consequence: synonymous variant.
Genome position (GRCh38, 1-based): chr19:10,284,088, G>A. VCF-style: chr19-10284088-G-A. GRCh37 (hg19) VCF-style: chr19-10394764-G-A.
Identifiers: ClinVar variation 3048192 (VCV003048192.2), dbSNP rs35956512, ClinGen allele CA9189877.